The following is an entry in ClinVar:

ClinVar aggregate classification (germline): Likely benign (0 of 4 stars; one submission).

Conditions:
PCSK1-related disorder. Also called: PCSK1-related condition.

Allele frequency attached by ClinVar (database versions not stated): TOPMed 0.00001; 1000 Genomes Project 0.00020; ExAC 0.00027; gnomAD 0.00007; gnomAD exomes 0.00013; 1000 Genomes Project 30x 0.00016.
gnomAD v4.1: 193 of 1,596,636 alleles (0.012%); highest among the groups gnomAD compares: South Asian, 0.21%; 3 homozygotes.

Submission:

PreventionGenetics, part of Exact Sciences
Classification: Likely benign for PCSK1-related condition. Last evaluated: 2022-05-06. Review status: no assertion criteria provided. Collection method: clinical testing. Allele origin: germline.
Comment: This variant is classified as likely benign based on ACMG/AMP sequence variant interpretation guidelines (Richards et al. 2015 PMID: 25741868, with internal and published modifications).

NM_000439.5(PCSK1):c.380A>T (p.Asn127Ile)

Genes: CAST (calpastatin; plus strand), PCSK1 (proprotein convertase subtilisin/kexin type 1; minus strand), LOC101929710 (uncharacterized LOC101929710; plus strand). Cytogenetic location: 5q15.
Variant type: single nucleotide variant.
Coding change: c.380A>T on transcript NM_000439.5 (MANE Select); coding-DNA position 380, A replaced by T.
Protein change: p.Asn127Ile; replaces asparagine 127 with isoleucine.
Molecular consequence: missense variant. On other transcripts: intron variant (11).
Genome position (GRCh38, 1-based): chr5:96,425,836, T>A on the plus strand (A>T on the coding strand, the complement: PCSK1 is on the minus strand). VCF-style: chr5-96425836-T-A. GRCh37 (hg19) VCF-style: chr5-95761540-T-A.
Other names: c.239A>T, p.Asn80Ile (NM_001177875.2); c.-175+46184T>A (NM_001423254.1, NM_001423259.1, NM_001423255.1 and 6 more transcripts); c.-103+46184T>A (NM_001423253.1); c.-40+46184T>A (NM_001423258.1); short protein forms N127I, N80I.
Identifiers: ClinVar variation 3030449 (VCV003030449.2), dbSNP rs574780528, ClinGen allele CA3350508.